The following is an entry in ClinVar:

NM_000827.4(GRIA1):c.343G>T (p.Val115Phe)

Gene: GRIA1 (glutamate ionotropic receptor AMPA type subunit 1; plus strand). Cytogenetic location: 5q33.2.
Variant type: single nucleotide variant.
Coding change: c.343G>T on transcript NM_000827.4 (MANE Select); coding-DNA position 343, G replaced by T.
Protein change: p.Val115Phe; replaces valine 115 with phenylalanine.
Molecular consequence: missense variant. On other transcripts: non-coding transcript variant (2), intron variant (1).
Genome position (GRCh38, 1-based): chr5:153,647,050, G>T. VCF-style: chr5-153647050-G-T. GRCh37 (hg19) VCF-style: chr5-153026610-G-T.
Other names: c.343G>T, p.Val115Phe (NM_001114183.2, NM_001364165.2); c.58G>T, p.Val20Phe (NM_001258020.2); c.373G>T, p.Val125Phe (NM_001258021.2, NM_001258022.2); c.136G>T, p.Val46Phe (NM_001258023.1, NM_001364167.2); c.370G>T, p.Val124Phe (NM_001364166.2); c.221-3280G>T (NM_001258019.2); short protein forms V115F, V124F, V125F, V20F, V46F.
Identifiers: ClinVar variation 4057191 (VCV004057191.1).

ClinVar aggregate classification (germline): Uncertain significance (1 of 4 stars; one submission).

Submission:

GeneDx
Classification: Uncertain significance. Last evaluated: 2025-01-14. Review status: criteria provided, single submitter. Criteria: GeneDx Variant Classification Process June 2021. Collection method: clinical testing. Allele origin: germline. Affected: yes.
Comment: Not observed at significant frequency in large population cohorts (gnomAD); In silico analysis indicates that this missense variant does not alter protein structure/function; Has not been previously published as pathogenic or benign to our knowledge